The following is an entry in ClinVar:

ClinVar aggregate classification (germline): Uncertain significance (1 of 4 stars; one submission).

Conditions:
Familial cold autoinflammatory syndrome 3 (FCAS3). Also called: FAMILIAL ATYPICAL COLD URTICARIA; ANTIBODY DEFICIENCY AND IMMUNE DYSREGULATION, PLCG2-ASSOCIATED. Identifiers: Orphanet 300359, MedGen C3280914, MONDO:0013766, OMIM 614468.

Allele frequency attached by ClinVar (database versions not stated): gnomAD exomes below 0.00001.
gnomAD v4.1: 6 of 1,613,778 alleles (0.00037%); highest among the groups gnomAD compares: Middle Eastern, 0.016%; no homozygotes.

Submission:

Labcorp Genetics (formerly Invitae), Labcorp
Classification: Uncertain significance for Familial cold autoinflammatory syndrome 3. Last evaluated: 2022-09-22. Review status: criteria provided, single submitter. Criteria: Invitae Variant Classification Sherloc (09022015). Collection method: clinical testing. Allele origin: germline.
Comment: Variants that disrupt the consensus splice site are a relatively common cause of aberrant splicing (PMID: 17576681, 9536098). Algorithms developed to predict the effect of sequence changes on RNA splicing suggest that this variant is not likely to affect RNA splicing. This variant has not been reported in the literature in individuals affected with PLCG2-related conditions. This variant is present in population databases (no rsID available, gnomAD 0.0009%). This sequence change falls in intron 2 of the PLCG2 gene. It does not directly change the encoded amino acid sequence of the PLCG2 protein. It affects a nucleotide within the consensus splice site. In summary, the available evidence is currently insufficient to determine the role of this variant in disease. Therefore, it has been classified as a Variant of Uncertain Significance.

Literature cited by the submitters: PubMed 17576681; PubMed 9536098.

NM_002661.5(PLCG2):c.194-3T>C

Gene: PLCG2 (phospholipase C gamma 2; plus strand). Cytogenetic location: 16q23.3.
Variant type: single nucleotide variant.
Coding change: c.194-3T>C on transcript NM_002661.5 (MANE Select); 3 bases into the intron before coding-DNA position 194, T replaced by C.
Molecular consequence: intron variant.
Genome position (GRCh38, 1-based): chr16:81,854,441, T>C. VCF-style: chr16-81854441-T-C. GRCh37 (hg19) VCF-style: chr16-81888046-T-C.
Identifiers: ClinVar variation 2070962 (VCV002070962.4), dbSNP rs1156904033, ClinGen allele CA624017034.